The following is an entry in ClinVar:

ClinVar aggregate classification (germline): Likely pathogenic. Review status: criteria provided, single submitter (1 of 4 stars). 2 submissions from 2 submitters: Likely pathogenic (1). 1 of the submissions does not count toward it. Last evaluated 2018-06-01.

Conditions:
Short stature-brachydactyly-obesity-global developmental delay syndrome. Also called: Short stature, brachydactyly, intellectual developmental disability, and seizures; SHORT STATURE, BRACHYDACTYLY, IMPAIRED INTELLECTUAL DEVELOPMENT, AND SEIZURES. Identifiers: Orphanet 464288, MedGen C4310689, MONDO:0014944, OMIM 617157.

Submissions (2):

Molecular Genetics Laboratory, Edith Wolfson Medical Center
Classification: Likely pathogenic for Short stature-brachydactyly-obesity-global developmental delay syndrome. Last evaluated: 2018-06-01. Review status: criteria provided, single submitter. Criteria: Birnbaum et al. (Am J Med Genet A. 2019). Collection method: clinical testing. Allele origin: inherited. Inheritance: Autosomal recessive inheritance. Affected: yes. Observed: 1 homozygote.
Comment: We performed whole exome sequencing on the patients DNA sample. The analysis revealed a novel homozygous variant in PRMT7: c.1074_1075delAG: p.Arg358fs. This is a truncating variant which is also absent from databases (gnomAD, EXAC).

OMIM
Classification: Pathogenic for SHORT STATURE, BRACHYDACTYLY, IMPAIRED INTELLECTUAL DEVELOPMENT, AND SEIZURES. Last evaluated: 2020-07-04. Review status: no assertion criteria provided. Collection method: literature only. Allele origin: germline. Not counted in ClinVar's aggregate classification.

Literature cited by the submitters: PubMed 30513135 (cited by OMIM).

NM_019023.5(PRMT7):c.1074_1075del (p.Arg358fs)

Gene: PRMT7 (protein arginine methyltransferase 7; plus strand). Cytogenetic location: 16q22.1.
Variant type: Microsatellite.
Coding change: c.1074_1075del on transcript NM_019023.5 (MANE Select); coding-DNA positions 1074 to 1075, 2 bases deleted (AG; older notation c.1074_1075delAG).
Protein change: p.Arg358fs; shifts the reading frame from arginine 358.
Molecular consequence: frameshift variant. On other transcripts: non-coding transcript variant (12).
Genome position (GRCh38, 1-based): chr16:68,346,163-68,346,164, AG deleted; deleting any 2 consecutive bases within chr16:68,346,158-68,346,164 gives the same sequence; the c. name uses the placement nearest the transcript's 3' end. VCF-style (leftmost placement, unchanged base first): chr16-68346157-TGA-T. GRCh37 (hg19) VCF-style: chr16-68380060-TGA-T.
Other names: 2-BP DEL, 1074AG; c.1074_1075delAG (NM_001290018.1); c.924_925del, p.Arg308fs (NM_001184824.4); c.1074_1075del, p.Arg358fs (NM_001290018.2, NM_001351143.3, NM_001351144.3 and 1 more transcripts); c.867_868del, p.Arg289fs (NM_001378020.1); c.837_838del, p.Arg279fs (NM_001378021.1, NM_001378022.1, NM_001378023.1); short protein forms R289fs, R308fs, R279fs, R358fs.
Identifiers: ClinVar variation 932173 (VCV000932173.5), dbSNP rs763953657, ClinGen allele CA8127322.